The following is an entry in ClinVar:

NM_017617.5(NOTCH1):c.4930C>T (p.Leu1644=)

Gene: NOTCH1 (notch receptor 1; minus strand). Cytogenetic location: 9q34.3.
Variant type: single nucleotide variant.
Coding change: c.4930C>T on transcript NM_017617.5 (MANE Select); coding-DNA position 4930, C replaced by T.
Protein change: p.Leu1644=; no amino-acid change (leucine 1644 retained).
Molecular consequence: synonymous variant.
Genome position (GRCh38, 1-based): chr9:136,504,761, G>A on the plus strand (C>T on the coding strand, the complement: NOTCH1 is on the minus strand). VCF-style: chr9-136504761-G-A. GRCh37 (hg19) VCF-style: chr9-139399213-G-A.
Other names: c.4930C>T, p.Leu1644= (LRG_1122t1).
Identifiers: ClinVar variation 390445 (VCV000390445.56), dbSNP rs568700183, ClinGen allele CA5340491.
Genomic context (GRCh38, chr9:136,504,761, plus strand): 5'-TCCGCCGCCGCCCACCCTCGCTGCCACCAGGGAGCAGCGAGGCCTTCACCTGGCCCAGCA[G>A]GGCGTCAGGTGCGGCCCAGCCCTCGGCGGCACGCTTGATGGGGTGCTTGCGCAGCTCCTC-3'
Protein context (NP_060087.3, residues 1634-1654): AAEGWAAPDA[Leu1644=]LGQVKASLLP

ClinVar aggregate classification (germline): Conflicting classifications of pathogenicity. Review status: criteria provided, conflicting classifications (1 of 4 stars). 13 submissions from 13 submitters: Uncertain significance (1); Benign (1); Likely benign (8). 3 of the submissions do not count toward it. Last evaluated 2026-06-01.

Conditions:
Connective tissue disorder. Also called: Connective tissue disease. Identifiers: MedGen C0009782, MONDO:0003900.
Adams-Oliver syndrome 5 (AOS5). Identifiers: Orphanet 974, MedGen C4014970, MONDO:0014459, OMIM 616028.
Familial thoracic aortic aneurysm and aortic dissection (TAAD). Also called: Thoracic aortic aneurysms and dissections. Identifiers: Orphanet 91387, MedGen C4707243, MONDO:0019625.

Allele frequency attached by ClinVar (database versions not stated): ExAC 0.00014; gnomAD exomes 0.00032 and 0.00062; 1000 Genomes Project 0.00040; gnomAD 0.00045 and 0.00046; 1000 Genomes Project 30x 0.00047; TOPMed 0.00059.
gnomAD v4.1: 919 of 1,549,554 alleles (0.059%); highest among the groups gnomAD compares: Non-Finnish European, 0.076%; no homozygotes.

Submissions (13):

CeGaT Center for Human Genetics Tuebingen
Classification: Likely benign. Last evaluated: 2026-06-01. Review status: criteria provided, single submitter. Criteria: CeGaT Center For Human Genetics Tuebingen Variant Classification Criteria Version 2. Collection method: clinical testing. Allele origin: germline. Affected: yes. Observed: 3 variant alleles.
Comment: NOTCH1: BP4, BP7

Labcorp Genetics (formerly Invitae), Labcorp
Classification: Likely benign for Adams-Oliver syndrome 5. Last evaluated: 2026-02-02. Review status: criteria provided, single submitter. Criteria: Invitae Variant Classification Sherloc (09022015). Collection method: clinical testing. Allele origin: germline.

ARUP Laboratories, Molecular Genetics and Genomics, ARUP Laboratories
Classification: Likely benign. Last evaluated: 2025-07-17. Review status: criteria provided, single submitter. Criteria: ARUP Molecular Germline Variant Investigation Process 2024. Collection method: clinical testing. Allele origin: germline.

Blueprint Genetics
Classification: Likely benign. Last evaluated: 2024-10-07. Review status: criteria provided, single submitter. Criteria: ACMG Guidelines, 2015. Collection method: clinical testing. Allele origin: germline.

Women's Health and Genetics/Laboratory Corporation of America, LabCorp
Classification: Benign. Last evaluated: 2023-07-30. Review status: criteria provided, single submitter. Criteria: LabCorp Variant Classification Summary - May 2015. Collection method: clinical testing. Allele origin: germline.

GeneDx
Classification: Likely benign. Last evaluated: 2020-10-22. Review status: criteria provided, single submitter. Criteria: GeneDx Variant Classification Process June 2021. Collection method: clinical testing. Allele origin: germline. Affected: yes.

Center for Human Genetics, Inc
Classification: Likely benign for Connective tissue disorder. Last evaluated: 2018-06-01. Review status: criteria provided, single submitter. Criteria: ACMG Guidelines, 2015. Collection method: clinical testing. Allele origin: germline. Affected: yes.

Ambry Genetics
Classification: Likely benign for Familial thoracic aortic aneurysm and aortic dissection. Last evaluated: 2018-02-26. Review status: criteria provided, single submitter. Criteria: Ambry Variant Classification Scheme 2023. Collection method: clinical testing. Allele origin: germline.

Eurofins Ntd Llc (ga)
Classification: Uncertain significance. Last evaluated: 2017-10-02. Review status: criteria provided, single submitter. Criteria: EGL Classification Definitions 2015. Collection method: clinical testing. Allele origin: germline. Observed: 1 variant allele, 1 heterozygote.

CHEO Genetics Diagnostic Laboratory, Children's Hospital of Eastern Ontario
Classification: Likely benign for Familial thoracic aortic aneurysm and aortic dissection. Last evaluated: 2017-02-09. Review status: criteria provided, single submitter. Criteria: ACMG Guidelines, 2015. Collection method: clinical testing. Allele origin: germline. Study: Canadian Open Genetics Repository.

Clinical Genetics DNA and cytogenetics Diagnostics Lab, Erasmus MC, Erasmus Medical Center
Classification: Likely benign. Review status: no assertion criteria provided. Collection method: clinical testing. Allele origin: germline. Affected: yes. Study: VKGL Data-share Consensus. Not counted in ClinVar's aggregate classification.

Genome Diagnostics Laboratory, Amsterdam University Medical Center
Classification: Likely benign. Review status: no assertion criteria provided. Collection method: clinical testing. Allele origin: germline. Affected: yes. Study: VKGL Data-share Consensus. Not counted in ClinVar's aggregate classification.

Joint Genome Diagnostic Labs from Nijmegen and Maastricht, Radboudumc and MUMC+
Classification: Likely benign. Review status: no assertion criteria provided. Collection method: clinical testing. Allele origin: germline. Affected: yes. Study: VKGL Data-share Consensus. Not counted in ClinVar's aggregate classification.

Literature cited by the submitters: PubMed 24943832 (cited by Women's Health and Genetics/Laboratory Corporation of America, LabCorp); PubMed 16614245 (cited by Women's Health and Genetics/Laboratory Corporation of America, LabCorp); PubMed 21670202 (cited by Women's Health and Genetics/Laboratory Corporation of America, LabCorp); PubMed 22210878 (cited by Women's Health and Genetics/Laboratory Corporation of America, LabCorp); PubMed 19635999 (cited by Women's Health and Genetics/Laboratory Corporation of America, LabCorp); PubMed 26837699 (cited by Women's Health and Genetics/Laboratory Corporation of America, LabCorp); PubMed 23086750 (cited by Women's Health and Genetics/Laboratory Corporation of America, LabCorp); PubMed 19245433 (cited by Women's Health and Genetics/Laboratory Corporation of America, LabCorp); PubMed 22077063 (cited by Women's Health and Genetics/Laboratory Corporation of America, LabCorp); PubMed 15472075 (cited by Women's Health and Genetics/Laboratory Corporation of America, LabCorp); PubMed 23734977 (cited by Women's Health and Genetics/Laboratory Corporation of America, LabCorp); PubMed 22858860 (cited by Women's Health and Genetics/Laboratory Corporation of America, LabCorp).